The following is an entry in ClinVar:

ClinVar aggregate classification (germline): Likely benign. Review status: criteria provided, multiple submitters, no conflicts (2 of 4 stars). 5 submissions from 5 submitters: Likely benign (4). 1 of the submissions does not count toward it. Last evaluated 2025-12-28.

Conditions:
POLD1-related polyposis and colorectal cancer syndrome (CRCS10). Also called: Colorectal cancer 10; COLORECTAL CANCER, SUSCEPTIBILITY TO, ON CHROMOSOME 19q; Colorectal cancer, susceptibility to, 10. Identifiers: Orphanet 220460, MedGen C2675481, MONDO:0012953, OMIM 612591.
POLD1-related disorder. Also called: POLD1-related condition; POLD1-related disorders.
Hereditary cancer-predisposing syndrome. Also called: Neoplastic Syndromes, Hereditary; Hereditary neoplastic syndrome; Tumor predisposition; Hereditary Cancer Syndrome. Identifiers: Orphanet 140162, MedGen C0027672, MeSH D009386, MONDO:0015356.

Allele frequency attached by ClinVar (database versions not stated): ExAC 0.00001; gnomAD 0.00001; TOPMed 0.00001.
gnomAD v4.1: 49 of 1,521,624 alleles (0.0032%); highest among the groups gnomAD compares: Non-Finnish European, 0.0038%; no homozygotes.

Submissions (5):

Labcorp Genetics (formerly Invitae), Labcorp
Classification: Likely benign for POLD1-related polyposis and colorectal cancer syndrome. Last evaluated: 2025-12-28. Review status: criteria provided, single submitter. Criteria: Invitae Variant Classification Sherloc (09022015). Collection method: clinical testing. Allele origin: germline.

Sema4
Classification: Likely benign for Hereditary cancer-predisposing syndrome. Last evaluated: 2021-04-19. Review status: criteria provided, single submitter. Criteria: Sema4 Curation Guidelines. Collection method: curation. Allele origin: germline.

Quest Diagnostics Nichols Institute San Juan Capistrano
Classification: Likely benign. Last evaluated: 2020-01-23. Review status: criteria provided, single submitter. Criteria: Quest Diagnostics criteria. Collection method: clinical testing. Allele origin: unknown.

GeneDx
Classification: Likely benign. Last evaluated: 2018-10-19. Review status: criteria provided, single submitter. Criteria: GeneDx Variant Classification Process June 2021. Collection method: clinical testing. Allele origin: germline. Affected: yes.

PreventionGenetics, part of Exact Sciences
Classification: Likely benign for POLD1-related condition. Last evaluated: 2019-07-31. Review status: no assertion criteria provided. Collection method: clinical testing. Allele origin: germline. Not counted in ClinVar's aggregate classification.
Comment: This variant is classified as likely benign based on ACMG/AMP sequence variant interpretation guidelines (Richards et al. 2015 PMID: 25741868, with internal and published modifications).

NM_002691.4(POLD1):c.2389-9C>G

Gene: POLD1 (DNA polymerase delta 1, catalytic subunit; plus strand). Cytogenetic location: 19q13.33.
Variant type: single nucleotide variant.
Coding change: c.2389-9C>G on transcript NM_002691.4 (MANE Select); 9 bases into the intron before coding-DNA position 2389, C replaced by G.
Molecular consequence: intron variant.
Genome position (GRCh38, 1-based): chr19:50,414,806, C>G. VCF-style: chr19-50414806-C-G. GRCh37 (hg19) VCF-style: chr19-50918063-C-G.
Other names: c.2389-9C>G (LRG_785t1, NM_001256849.1); c.2467-9C>G (LRG_785t2, NM_001308632.1).
Identifiers: ClinVar variation 469255 (VCV000469255.18), dbSNP rs552399406, ClinGen allele CA9596512.